The following is an entry in ClinVar:

NM_000312.4(PROC):c.752C>T (p.Ala251Val)

Gene: PROC (protein C, inactivator of coagulation factors Va and VIIIa; plus strand). Cytogenetic location: 2q14.3.
Variant type: single nucleotide variant.
Coding change: c.752C>T on transcript NM_000312.4 (MANE Select); coding-DNA position 752, C replaced by T.
Protein change: p.Ala251Val; replaces alanine 251 with valine.
Molecular consequence: missense variant.
Genome position (GRCh38, 1-based): chr2:127,427,178, C>T. VCF-style: chr2-127427178-C-T. GRCh37 (hg19) VCF-style: chr2-128184754-C-T.
Other names: PROC; protein C, inactivator of coagulation factors Va and VIIIa; c.935C>T, p.Ala312Val (NM_001375602.1); c.917C>T, p.Ala306Val (NM_001375603.1); c.815C>T, p.Ala272Val (NM_001375604.1); c.854C>T, p.Ala285Val (NM_001375605.1); c.920C>T, p.Ala307Val (NM_001375606.1); c.938C>T, p.Ala313Val (NM_001375607.1); and 4 more; short protein forms A232V, A243V, A249V, A251V, A272V, A285V, A306V, A307V.
Identifiers: ClinVar variation 810674 (VCV000810674.6), dbSNP rs568121876, ClinGen allele CA1859437.

ClinVar aggregate classification (germline): Conflicting classifications of pathogenicity. Review status: criteria provided, conflicting classifications (1 of 4 stars). 2 submissions from 2 submitters: Likely pathogenic (1); Uncertain significance (1). Last evaluated 2020-01-08.

Conditions:
Thrombophilia due to protein C deficiency, autosomal dominant. Also called: PROC DEFICIENCY, AUTOSOMAL DOMINANT; PROTEIN C DEFICIENCY, AUTOSOMAL DOMINANT. Identifiers: Orphanet 745, MedGen C2674321, MONDO:0008316, OMIM 176860. Disease mechanism: loss of function.
Thrombophilia due to protein C deficiency, autosomal recessive. Also called: PROC DEFICIENCY, AUTOSOMAL RECESSIVE; PROTEIN C DEFICIENCY, AUTOSOMAL RECESSIVE. Identifiers: Orphanet 745, MedGen C2676759, MONDO:0012860, OMIM 612304.

Allele frequency attached by ClinVar (database versions not stated): gnomAD 0.00003 and 0.00011; TOPMed 0.00003; gnomAD exomes 0.00011 and 0.00020; ExAC 0.00022; 1000 Genomes Project 0.00060; 1000 Genomes Project 30x 0.00062.
gnomAD v4.1: 181 of 1,613,604 alleles (0.011%); highest among the groups gnomAD compares: South Asian, 0.16%; 1 homozygote.

Submissions (2):

Diagnostics Services (NGS), CSIR - Centre For Cellular And Molecular Biology
Classification: Likely pathogenic for Thrombophilia due to protein C deficiency, autosomal recessive. Last evaluated: 2020-01-08. Review status: criteria provided, single submitter. Criteria: ACMG Guidelines, 2015. Collection method: clinical testing. Allele origin: unknown. Inheritance: Autosomal recessive inheritance. Affected: no. Observed: 1 heterozygote.
Comment: The c.752C>T variant is not present in publicly available databases like Exome Variant Server (EVS) however only heterozygous state of the variant is present in 1000 Genomes, Exome Aggregation Consortium (ExAC), Genome Aggregation Database (gnomAD) and dbSNP at a low frequency (MAF<0.001). The variant is not present in our in-house exome database. The variant was earlier reported to Human Genome Mutation Database (HGMD ID: CM951010) in other similarly affected individuals. In-silico pathogenicity prediction programs like SIFT, PolyPhen2, MutationTatster2, CADD etc. predicted this variant as likely deleterious. As per the ACMG guidelines the variant has been classified as likely pathogenic.

Neuberg Centre For Genomic Medicine, NCGM
Classification: Uncertain significance for Thrombophilia due to protein C deficiency, autosomal dominant. Review status: criteria provided, single submitter. Criteria: ACMG Guidelines, 2015. Collection method: clinical testing. Allele origin: germline. Inheritance: Autosomal dominant inheritance. Affected: yes.
Comment: The p.Ala251Val variant has allele frequency 0.02% in gnomAD Exomes and is novel (not in any individuals) in 1000 Genomes. This variant has been reported to the ClinVar database as Likely Pathogenic. However, study on multiple affected individuals and functional studies on the pathogenicity of the variant is unavailable. The amino acid change p.Ala251Val in PROC is predicted as conserved by GERP++ and PhyloP across 100 vertebrates. The amino acid Ala at position 251 is changed to a Val changing protein sequence and it might alter its composition and physico-chemical properties. For these reasons, this variant has been classified as Variant of Uncertain Significance (VUS).